The following is an entry in ClinVar:

ClinVar aggregate classification (germline): Uncertain significance. Review status: criteria provided, multiple submitters, no conflicts (2 of 4 stars). 3 submissions from 3 submitters: Uncertain significance (3). Last evaluated 2026-03-29.

Conditions:
Cardiovascular phenotype. Identifiers: MedGen CN230736.
Catecholaminergic polymorphic ventricular tachycardia 1. Also called: RYR2-Related Catecholaminergic Polymorphic Ventricular Tachycardia; VENTRICULAR TACHYCARDIA, CATECHOLAMINERGIC POLYMORPHIC, 1, WITH OR WITHOUT ATRIAL DYSFUNCTION AND/OR DILATED CARDIOMYOPATHY; VENTRICULAR TACHYCARDIA, STRESS-INDUCED POLYMORPHIC 1. Identifiers: Orphanet 3286, MedGen C1631597, MONDO:0011484, OMIM 604772.
Cardiomyopathy (CMYO). Also called: Cardiomyopathies. Identifiers: Orphanet 167848, MedGen C0878544, MONDO:0004994, HP:0001638. Inheritance: Various modes of inheritance.

Submissions (3):

Ambry Genetics
Classification: Uncertain significance for Cardiovascular phenotype. Last evaluated: 2026-03-29. Review status: criteria provided, single submitter. Criteria: Ambry Variant Classification Scheme 2023. Collection method: clinical testing. Allele origin: germline.
Comment: The p.K923R variant (also known as c.2768A>G), located in coding exon 24 of the RYR2 gene, results from an A to G substitution at nucleotide position 2768. The lysine at codon 923 is replaced by arginine, an amino acid with highly similar properties. This amino acid position is conserved. In addition, the in silico prediction for this alteration is inconclusive. Based on the available evidence, the clinical significance of this variant remains unclear.

Color Diagnostics, LLC DBA Color Health
Classification: Uncertain significance for Cardiomyopathy. Last evaluated: 2025-07-14. Review status: criteria provided, single submitter. Criteria: ACMG Guidelines, 2015. Collection method: clinical testing. Allele origin: germline.
Comment: This missense variant replaces lysine with arginine at codon 923 of the RYR2 protein. Computational prediction is inconclusive regarding the impact of this variant on protein structure and function. To our knowledge, functional studies have not been reported for this variant. This variant has not been reported in individuals affected with RYR2-related disorders in the literature. This variant has not been identified in the general population by the Genome Aggregation Database (gnomAD). The available evidence is insufficient to determine the role of this variant in disease conclusively. Therefore, this variant is classified as a Variant of Uncertain Significance.

Labcorp Genetics (formerly Invitae), Labcorp
Classification: Uncertain significance for Catecholaminergic polymorphic ventricular tachycardia 1. Last evaluated: 2024-06-24. Review status: criteria provided, single submitter. Criteria: Invitae Variant Classification Sherloc (09022015). Collection method: clinical testing. Allele origin: germline.
Comment: This sequence change replaces lysine, which is basic and polar, with arginine, which is basic and polar, at codon 923 of the RYR2 protein (p.Lys923Arg). This variant is not present in population databases (gnomAD no frequency). This variant has not been reported in the literature in individuals affected with RYR2-related conditions. Advanced modeling of protein sequence and biophysical properties (such as structural, functional, and spatial information, amino acid conservation, physicochemical variation, residue mobility, and thermodynamic stability) performed at Invitae indicates that this missense variant is not expected to disrupt RYR2 protein function with a negative predictive value of 95%. In summary, the available evidence is currently insufficient to determine the role of this variant in disease. Therefore, it has been classified as a Variant of Uncertain Significance.

NM_001035.3(RYR2):c.2768A>G (p.Lys923Arg)

Gene: RYR2 (ryanodine receptor 2; plus strand). Cytogenetic location: 1q43.
Variant type: single nucleotide variant.
Coding change: c.2768A>G on transcript NM_001035.3 (MANE Select); coding-DNA position 2768, A replaced by G.
Protein change: p.Lys923Arg; replaces lysine 923 with arginine.
Molecular consequence: missense variant.
Genome position (GRCh38, 1-based): chr1:237,511,737, A>G. VCF-style: chr1-237511737-A-G. GRCh37 (hg19) VCF-style: chr1-237675037-A-G.
Other names: c.2768A>G (NM_001035.2); short protein forms K923R.
Identifiers: ClinVar variation 3719806 (VCV003719806.4).